The following is an entry in ClinVar:

NM_014806.5(RUSC2):c.3438T>C (p.His1146=)

Gene: RUSC2 (RUN and SH3 domain containing 2; plus strand). Cytogenetic location: 9p13.3.
Variant type: single nucleotide variant.
Coding change: c.3438T>C on transcript NM_014806.5 (MANE Select); coding-DNA position 3438, T replaced by C.
Protein change: p.His1146=; no amino-acid change (histidine 1146 retained).
Molecular consequence: synonymous variant. On other transcripts: non-coding transcript variant (1).
Genome position (GRCh38, 1-based): chr9:35,560,078, T>C. VCF-style: chr9-35560078-T-C. GRCh37 (hg19) VCF-style: chr9-35560075-T-C.
Other names: c.3438T>C, p.His1146= (NM_001135999.2); c.804T>C, p.His268= (NM_001330740.2); c.3438T>C (NM_001135999.1).
Identifiers: ClinVar variation 1557743 (VCV001557743.10), dbSNP rs143042061, ClinGen allele CA5044160.

ClinVar aggregate classification (germline): Benign/Likely benign. Review status: criteria provided, multiple submitters, no conflicts (2 of 4 stars). 3 submissions from 3 submitters: Benign (2); Likely benign (1). Last evaluated 2026-07-07.

Conditions:
RUSC2-related disorder. Also called: RUSC2-related condition.

Allele frequency attached by ClinVar (database versions not stated): gnomAD exomes 0.00009 and 0.00025; ExAC 0.00027; 1000 Genomes Project 0.00060; 1000 Genomes Project 30x 0.00062; gnomAD 0.00080 and 0.00081; ESP Exome Variant Server 0.00092.
gnomAD v4.1: 246 of 1,613,774 alleles (0.015%); highest among the groups gnomAD compares: African/African-American, 0.3%; 1 homozygote.

Submissions (3):

PreventionGenetics, part of Exact Sciences
Classification: Likely benign for RUSC2-related condition. Last evaluated: 2026-07-07. Review status: criteria provided, single submitter. Criteria: ACMG Guidelines, 2015. Collection method: clinical testing. Allele origin: germline.
Comment: This variant is classified as likely benign based on ACMG/AMP sequence variant interpretation guidelines (Richards et al. 2015 PMID: 25741868, with internal and published modifications).

Labcorp Genetics (formerly Invitae), Labcorp
Classification: Benign. Last evaluated: 2026-02-03. Review status: criteria provided, single submitter. Criteria: Invitae Variant Classification Sherloc (09022015). Collection method: clinical testing. Allele origin: germline.

Breakthrough Genomics
Classification: Benign. Review status: criteria provided, single submitter. Criteria: ACMG Guidelines, 2015. Collection method: not provided. Allele origin: germline. Inheritance: Autosomal recessive inheritance. Affected: yes.